The following is an entry in ClinVar:

NM_001382.4(DPAGT1):c.901C>T (p.Arg301Cys)

Gene: DPAGT1 (dolichyl-phosphate N-acetylglucosaminephosphotransferase 1; minus strand). Cytogenetic location: 11q23.3.
Variant type: single nucleotide variant.
Coding change: c.901C>T on transcript NM_001382.4 (MANE Select); coding-DNA position 901, C replaced by T.
Protein change: p.Arg301Cys; replaces arginine 301 with cysteine.
Molecular consequence: missense variant.
Genome position (GRCh38, 1-based): chr11:119,097,871, G>A on the plus strand (C>T on the coding strand, the complement: DPAGT1 is on the minus strand). VCF-style: chr11-119097871-G-A. GRCh37 (hg19) VCF-style: chr11-118968581-G-A.
Other names: short protein forms R301C.
Identifiers: ClinVar variation 1041325 (VCV001041325.6), dbSNP rs776632995, ClinGen allele CA6314515.

ClinVar aggregate classification (germline): Uncertain significance (1 of 4 stars; one submission).

Conditions:
Congenital myasthenic syndrome 13 (CMS13). Also called: Myasthenic syndrome, congenital, with tubular aggregates 2; Myasthenic syndrome, congenital, 13, with tubular aggregates. Identifiers: Orphanet 353327, Orphanet 590, MedGen C3553645, MONDO:0013883, OMIM 614750.
DPAGT1-congenital disorder of glycosylation. Also called: DPAGT1-CDG; CONGENITAL DISORDER OF GLYCOSYLATION, TYPE Ij; CDG Ij. Identifiers: Orphanet 86309, MedGen C2931004, MONDO:0011964, OMIM 608093.

Allele frequency attached by ClinVar (database versions not stated): ExAC 0.00001; gnomAD 0.00001; gnomAD exomes 0.00001 and 0.00002; TOPMed 0.00002.
gnomAD v4.1: 39 of 1,613,962 alleles (0.0024%); highest among the groups gnomAD compares: Non-Finnish European, 0.0029%; no homozygotes.

Submission:

Labcorp Genetics (formerly Invitae), Labcorp
Classification: Uncertain significance for Congenital myasthenic syndrome 13; DPAGT1-congenital disorder of glycosylation. Last evaluated: 2022-03-20. Review status: criteria provided, single submitter. Criteria: Invitae Variant Classification Sherloc (09022015). Collection method: clinical testing. Allele origin: germline.
Comment: This sequence change replaces arginine, which is basic and polar, with cysteine, which is neutral and slightly polar, at codon 301 of the DPAGT1 protein (p.Arg301Cys). This variant is present in population databases (rs776632995, gnomAD 0.003%). This missense change has been observed in individual(s) with DPAGT1-related conditions (PMID: 22786653). ClinVar contains an entry for this variant (Variation ID: 1041325). Algorithms developed to predict the effect of missense changes on protein structure and function (SIFT, PolyPhen-2, Align-GVGD) all suggest that this variant is likely to be disruptive. Experimental studies have shown that this missense change affects DPAGT1 function (PMID: 30388443). This variant disrupts the p.Arg301 amino acid residue in DPAGT1. Other variant(s) that disrupt this residue have been observed in individuals with DPAGT1-related conditions (PMID: 23430862, 28712839), which suggests that this may be a clinically significant amino acid residue. In summary, the available evidence is currently insufficient to determine the role of this variant in disease. Therefore, it has been classified as a Variant of Uncertain Significance.

Literature cited by the submitters: PubMed 22786653; PubMed 30388443; PubMed 23430862; PubMed 28712839.